The following is an entry in ClinVar:

ClinVar aggregate classification (germline): Uncertain significance. Review status: criteria provided, multiple submitters, no conflicts (2 of 4 stars). 3 submissions from 3 submitters: Uncertain significance (3). Last evaluated 2026-07-20.

Conditions:
TTN-related disorder. Also called: TTN-related disorders; TTN-related condition; TTN-related disease.

Allele frequency attached by ClinVar (database versions not stated): gnomAD exomes below 0.00001 and 0.00002; ExAC 0.00001; gnomAD 0.00001; TOPMed 0.00002.
gnomAD v4.1: 35 of 1,612,770 alleles (0.0022%); highest among the groups gnomAD compares: Non-Finnish European, 0.0026%; no homozygotes.

Submissions (3):

PreventionGenetics, part of Exact Sciences
Classification: Uncertain significance for TTN-related condition. Last evaluated: 2026-07-20. Review status: criteria provided, single submitter. Criteria: ACMG Guidelines, 2015. Collection method: clinical testing. Allele origin: germline.
Comment: The TTN c.52787A>G variant is predicted to result in the amino acid substitution p.Asn17596Ser. To our knowledge, this variant has not been reported in the literature. This variant is reported in 0.00089% of alleles in individuals of European (Non-Finnish) descent in gnomAD. At this time, the clinical significance of this variant is uncertain due to the absence of conclusive functional and genetic evidence.

Revvity Omics, Revvity
Classification: Uncertain significance. Last evaluated: 2023-09-05. Review status: criteria provided, single submitter. Criteria: ACMG Guidelines, 2015. Collection method: clinical testing. Allele origin: germline.

GeneDx
Classification: Uncertain significance. Last evaluated: 2019-03-28. Review status: criteria provided, single submitter. Criteria: GeneDx Variant Classification Process June 2021. Collection method: clinical testing. Allele origin: germline. Affected: yes.

NM_001267550.2(TTN):c.52787A>G (p.Asn17596Ser)

Genes: TTN (titin; minus strand), TTN-AS1 (TTN antisense RNA 1; plus strand), LOC126806425 (BRD4-independent group 4 enhancer GRCh37_chr2:179471933-179473132; plus strand). Cytogenetic location: 2q31.2.
Variant type: single nucleotide variant.
Coding change: c.52787A>G on transcript NM_001267550.2 (MANE Select); coding-DNA position 52787, A replaced by G.
Protein change: p.Asn17596Ser; replaces asparagine 17596 with serine.
Molecular consequence: missense variant.
Genome position (GRCh38, 1-based): chr2:178,608,000, T>C on the plus strand (A>G on the coding strand, the complement: TTN is on the minus strand). VCF-style: chr2-178608000-T-C. GRCh37 (hg19) VCF-style: chr2-179472727-T-C.
Other names: c.47864A>G, p.Asn15955Ser (NM_001256850.1); c.25592A>G, p.Asn8531Ser (NM_003319.4); c.45083A>G, p.Asn15028Ser (NM_133378.4); c.25967A>G, p.Asn8656Ser (NM_133432.3); c.26168A>G, p.Asn8723Ser (NM_133437.4); short protein forms N15028S, N15955S, N17596S, N8531S, N8656S, N8723S.
Identifiers: ClinVar variation 1308405 (VCV001308405.4), dbSNP rs760584088, ClinGen allele CA1993926.
Genomic context (GRCh38, chr2:178,608,000, plus strand): 5'-CATTCATTTGTGCCAACCAACTGCTTATCAACAAAATAGCCAACAATTTCCCCACCACCA[T>C]TGAAAGCTGGGGGTTCCCATTCTAGTTCAATAGTTGTAGAGCTTGTGTCAGTGACTCTTG-3'
Protein context (NP_001254479.2, residues 17586-17606): IELEWEPPAF[Asn17596Ser]GGGEIVGYFV